The following is an entry in ClinVar:

ClinVar aggregate classification (germline): Uncertain significance (1 of 4 stars; one submission).

Conditions:
Nephronophthisis 15 (NPHP15). Identifiers: Orphanet 3156, MedGen C3541853, MONDO:0013917, OMIM 614845.

Allele frequency attached by ClinVar (database versions not stated): gnomAD exomes 0.00001; ExAC 0.00002; gnomAD 0.00002; TOPMed 0.00002.
gnomAD v4.1: 18 of 1,608,994 alleles (0.0011%); highest among the groups gnomAD compares: Non-Finnish European, 0.0014%; no homozygotes.

Submission:

Labcorp Genetics (formerly Invitae), Labcorp
Classification: Uncertain significance for Nephronophthisis 15. Last evaluated: 2022-07-13. Review status: criteria provided, single submitter. Criteria: Invitae Variant Classification Sherloc (09022015). Collection method: clinical testing. Allele origin: germline.
Comment: In summary, the available evidence is currently insufficient to determine the role of this variant in disease. Therefore, it has been classified as a Variant of Uncertain Significance. Algorithms developed to predict the effect of missense changes on protein structure and function (SIFT, PolyPhen-2, Align-GVGD) all suggest that this variant is likely to be disruptive. This variant has not been reported in the literature in individuals affected with CEP164-related conditions. This variant is present in population databases (rs747188099, gnomAD 0.003%). This sequence change replaces proline, which is neutral and non-polar, with leucine, which is neutral and non-polar, at codon 64 of the CEP164 protein (p.Pro64Leu).

NM_014956.5(CEP164):c.191C>T (p.Pro64Leu)

Gene: CEP164 (centrosomal protein 164; plus strand). Cytogenetic location: 11q23.3.
Variant type: single nucleotide variant.
Coding change: c.191C>T on transcript NM_014956.5 (MANE Select); coding-DNA position 191, C replaced by T.
Protein change: p.Pro64Leu; replaces proline 64 with leucine.
Molecular consequence: missense variant.
Genome position (GRCh38, 1-based): chr11:117,344,274, C>T. VCF-style: chr11-117344274-C-T. GRCh37 (hg19) VCF-style: chr11-117214990-C-T.
Other names: c.191C>T, p.Pro64Leu (NM_001271933.2); short protein forms P64L.
Identifiers: ClinVar variation 1963422 (VCV001963422.5), dbSNP rs747188099, ClinGen allele CA6294345.